The following is an entry in ClinVar:

NM_003477.3(PDHX):c.724A>G (p.Thr242Ala)

Gene: PDHX (pyruvate dehydrogenase complex component X; plus strand). Cytogenetic location: 11p13.
Variant type: single nucleotide variant.
Coding change: c.724A>G on transcript NM_003477.3 (MANE Select); coding-DNA position 724, A replaced by G.
Protein change: p.Thr242Ala; replaces threonine 242 with alanine.
Molecular consequence: missense variant. On other transcripts: intron variant (1).
Genome position (GRCh38, 1-based): chr11:34,966,722, A>G. VCF-style: chr11-34966722-A-G. GRCh37 (hg19) VCF-style: chr11-34988269-A-G.
Other names: c.544A>G, p.Thr182Ala (NM_001135024.2); c.343-17848A>G (NM_001166158.2); short protein forms T182A, T242A.
Identifiers: ClinVar variation 4532536 (VCV004532536.1).

ClinVar aggregate classification (germline): Uncertain significance (1 of 4 stars; one submission).

gnomAD v4.1: 1 of 1,614,104 alleles (0.000062%); highest among the groups gnomAD compares: Non-Finnish European, 0.000085%; no homozygotes.

Submission:

GeneDx
Classification: Uncertain significance. Last evaluated: 2025-05-29. Review status: criteria provided, single submitter. Criteria: GeneDx Variant Classification Process June 2021. Collection method: clinical testing. Allele origin: germline. Affected: yes.
Comment: Not observed at significant frequency in large population cohorts (gnomAD); In silico analysis suggests that this missense variant does not alter protein structure/function; Has not been previously published as pathogenic or benign to our knowledge